The following is an entry in ClinVar:

NM_001148.6(ANK2):c.3893+10T>C

Gene: ANK2 (ankyrin 2; plus strand). Cytogenetic location: 4q26.
Variant type: single nucleotide variant.
Coding change: c.3893+10T>C on transcript NM_001148.6 (MANE Select); 10 bases into the intron after coding-DNA position 3893, T replaced by C.
Molecular consequence: intron variant.
Genome position (GRCh38, 1-based): chr4:113,339,332, T>C. VCF-style: chr4-113339332-T-C. GRCh37 (hg19) VCF-style: chr4-114260488-T-C.
Other names: p.?; c.3878+10T>C (NM_001386186.2, NM_001386148.2); c.3680+10T>C (NM_001354269.3); c.3758+10T>C (NM_001386187.2); c.3752+10T>C (NM_001386147.1, NM_001354261.2); c.3737+10T>C (NM_001386160.1); c.3842+10T>C (NM_001354254.2); c.3863+10T>C (NM_001354239.2, NM_001354252.2); and 32 more.
Identifiers: ClinVar variation 238579 (VCV000238579.29), dbSNP rs72556367, ClinGen allele CA3050945.
Genomic context (GRCh38, chr4:113,339,332, plus strand): 5'-ATTAACATTTGTCAATGAATGTGTTTCCTTTACAACAAACGTGTCTGCCAGGTATCGTTA[T>C]ATAGCACAGAAAAGCCCACTATGATATGTTACCCTCCAAAAAAACTGCCCTTTGTTTTAT-3'

ClinVar aggregate classification (germline): Benign. Review status: criteria provided, multiple submitters, no conflicts (2 of 4 stars). 8 submissions from 8 submitters: Benign (8). Last evaluated 2026-02-01.

Conditions:
Long QT syndrome (LQTS). Identifiers: MedGen C0023976, MeSH D008133, MONDO:0002442. Disease mechanism: loss of function. Inheritance: Various modes of inheritance.
Cardiac arrhythmia, ankyrin-B-related. Also called: ANKYRIN-B SYNDROME. Identifiers: Orphanet 101016, Orphanet 768, MedGen C1970119, MONDO:0010958, OMIM 600919.

Allele frequency attached by ClinVar (database versions not stated): gnomAD exomes 0.00090 and 0.00248; ExAC 0.00330; ESP Exome Variant Server 0.00615; 1000 Genomes Project 0.00958; gnomAD 0.00969 and 0.01042; TOPMed 0.01121; 1000 Genomes Project 30x 0.01156.
gnomAD v4.1: 2,840 of 1,609,396 alleles (0.18%); highest among the groups gnomAD compares: African/African-American, 3.3%; 54 homozygotes.

Submissions (8):

Labcorp Genetics (formerly Invitae), Labcorp
Classification: Benign for Long QT syndrome. Last evaluated: 2026-02-01. Review status: criteria provided, single submitter. Criteria: Invitae Variant Classification Sherloc (09022015). Collection method: clinical testing. Allele origin: germline.

Molecular Diagnostic Laboratory for Inherited Cardiovascular Disease, Montreal Heart Institute
Classification: Benign. Last evaluated: 2025-04-09. Review status: criteria provided, single submitter. Criteria: ACMG Guidelines, 2015. Collection method: clinical testing. Allele origin: germline. Affected: no.

ARUP Laboratories, Molecular Genetics and Genomics, ARUP Laboratories
Classification: Benign. Last evaluated: 2023-09-21. Review status: criteria provided, single submitter. Criteria: ARUP Molecular Germline Variant Investigation Process 2024. Collection method: clinical testing. Allele origin: germline.

Genome-Nilou Lab
Classification: Benign for Cardiac arrhythmia, ankyrin-B-related. Last evaluated: 2021-12-05. Review status: criteria provided, single submitter. Criteria: ACMG Guidelines, 2015. Collection method: clinical testing. Allele origin: germline. Affected: no.

Illumina Laboratory Services, Illumina
Classification: Benign for Cardiac arrhythmia, ankyrin-B-related. Last evaluated: 2018-01-13. Review status: criteria provided, single submitter. Criteria: ICSL Variant Classification Criteria 13 December 2019. Collection method: clinical testing. Allele origin: germline.
Comment: This variant was observed in the ICSL laboratory as part of a predisposition screen in an ostensibly healthy population. It had not been previously curated by ICSL or reported in the Human Gene Mutation Database (HGMD: prior to June 1st, 2018), and was therefore a candidate for classification through an automated scoring system. Utilizing variant allele frequency, disease prevalence and penetrance estimates, and inheritance mode, an automated score was calculated to assess if this variant is too frequent to cause the disease. Based on the score and internal cut-off values, a variant classified as benign is not then subjected to further curation. The score for this variant resulted in a classification of benign for this disease.

Mayo Clinic Laboratories, Mayo Clinic
Classification: Benign. Last evaluated: 2015-12-08. Review status: criteria provided, single submitter. Criteria: ACMG Guidelines, 2015. Collection method: clinical testing. Allele origin: germline. Observed: 5 variant alleles.

GeneDx
Classification: Benign. Last evaluated: 2015-03-03. Review status: criteria provided, single submitter. Criteria: GeneDx Variant Classification Process June 2021. Collection method: clinical testing. Allele origin: germline. Affected: yes.

Breakthrough Genomics
Classification: Benign. Review status: criteria provided, single submitter. Criteria: ACMG Guidelines, 2015. Collection method: not provided. Allele origin: germline. Inheritance: Autosomal dominant inheritance. Affected: yes.